The following is an entry in ClinVar:

ClinVar aggregate classification (germline): Conflicting classifications of pathogenicity. Review status: criteria provided, conflicting classifications (1 of 4 stars). 2 submissions from 2 submitters: Uncertain significance (1); Likely benign (1). Last evaluated 2026-05-21.

Conditions:
Inborn genetic diseases. Identifiers: MedGen C0950123, MeSH D030342.

Allele frequency attached by ClinVar (database versions not stated): gnomAD exomes 0.00003 and 0.00002; TOPMed 0.00002; ExAC 0.00003; ESP Exome Variant Server 0.00008; gnomAD 0.00001.
gnomAD v4.1: 48 of 1,613,012 alleles (0.003%); highest among the groups gnomAD compares: South Asian, 0.0066%; no homozygotes.

Submissions (2):

Ambry Genetics
Classification: Likely benign for Inborn genetic diseases. Last evaluated: 2026-05-21. Review status: criteria provided, single submitter. Criteria: Ambry Variant Classification Scheme 2023. Collection method: clinical testing. Allele origin: germline.

Labcorp Genetics (formerly Invitae), Labcorp
Classification: Uncertain significance. Last evaluated: 2025-08-15. Review status: criteria provided, single submitter. Criteria: Invitae Variant Classification Sherloc (09022015). Collection method: clinical testing. Allele origin: germline.
Comment: This sequence change replaces aspartic acid, which is acidic and polar, with asparagine, which is neutral and polar, at codon 1556 of the LAMC3 protein (p.Asp1556Asn). This variant is present in population databases (rs147212105, gnomAD 0.007%). This variant has not been reported in the literature in individuals affected with LAMC3-related conditions. ClinVar contains an entry for this variant (Variation ID: 1509044). An algorithm developed to predict the effect of missense changes on protein structure and function (PolyPhen-2) suggests that this variant is likely to be disruptive. In summary, the available evidence is currently insufficient to determine the role of this variant in disease. Therefore, it has been classified as a Variant of Uncertain Significance.

NM_006059.4(LAMC3):c.4666G>A (p.Asp1556Asn)

Gene: LAMC3 (laminin subunit gamma 3; plus strand). Cytogenetic location: 9q34.12.
Variant type: single nucleotide variant.
Coding change: c.4666G>A on transcript NM_006059.4 (MANE Select); coding-DNA position 4666, G replaced by A.
Protein change: p.Asp1556Asn; replaces aspartic acid 1556 with asparagine.
Molecular consequence: missense variant.
Genome position (GRCh38, 1-based): chr9:131,091,725, G>A. VCF-style: chr9-131091725-G-A. GRCh37 (hg19) VCF-style: chr9-133967112-G-A.
Other names: c.4666G>A (NM_006059.3); short protein forms D1556N.
Identifiers: ClinVar variation 1509044 (VCV001509044.5), dbSNP rs147212105, ClinGen allele CA5288250.